The following is an entry in ClinVar:

ClinVar aggregate classification (germline): Conflicting classifications of pathogenicity. Review status: criteria provided, conflicting classifications (1 of 4 stars). 9 submissions from 9 submitters: Uncertain significance (5); Likely benign (3). 1 of the submissions does not count toward it. Last evaluated 2026-09-16.

Conditions:
Cardiovascular phenotype. Identifiers: MedGen CN230736.
ALPK3-related disorder. Also called: ALPK3-related condition.
Cardiomyopathy, familial hypertrophic 27. Identifiers: MedGen C4748014, MONDO:0054838, OMIM 618052.

Allele frequency attached by ClinVar (database versions not stated): ESP Exome Variant Server 0.00070; TOPMed 0.00089; gnomAD 0.00056 and 0.00067.
gnomAD v4.1: 1,143 of 1,613,834 alleles (0.071%); highest among the groups gnomAD compares: Non-Finnish European, 0.09%; 1 homozygote.

Submissions (9):

GeneDx
Classification: Uncertain significance. Last evaluated: 2026-09-16. Review status: criteria provided, single submitter. Criteria: GeneDx Variant Classification Process June 2021. Collection method: clinical testing. Allele origin: germline.
Comment: In silico analysis suggests that this missense variant does not alter protein structure/function; Has not been previously published as pathogenic or benign to our knowledge

CeGaT Center for Human Genetics Tuebingen
Classification: Likely benign. Last evaluated: 2026-08-01. Review status: criteria provided, single submitter. Criteria: CeGaT Center For Human Genetics Tuebingen Variant Classification Criteria Version 2. Collection method: clinical testing. Allele origin: germline. Affected: yes. Observed: 1 variant allele.
Comment: ALPK3: BP4, BS1

Women's Health and Genetics/Laboratory Corporation of America, LabCorp
Classification: Uncertain significance. Last evaluated: 2026-02-16. Review status: criteria provided, single submitter. Criteria: LabCorp Variant Classification Summary - May 2015. Collection method: clinical testing. Allele origin: germline.
Comment: Variant summary: ALPK3 c.1015C>T (p.Arg339Cys) results in a non-conservative amino acid change in the encoded protein sequence. Algorithms developed to predict the effect of missense changes on protein structure and function are either unavailable or do not agree on the potential impact of this missense change. The variant allele was found at a frequency of 0.0004 in 250344 control chromosomes. This frequency is not significantly higher than estimated for disease-causing variants in ALPK3, allowing no conclusion about variant significance. To our knowledge, no occurrence of c.1015C>T in individuals affected with ALPK3-related conditions and no experimental evidence demonstrating its impact on protein function have been reported. ClinVar contains an entry for this variant (Variation ID: 389626). Based on the evidence outlined above, the variant was classified as uncertain significance.

Labcorp Genetics (formerly Invitae), Labcorp
Classification: Uncertain significance. Last evaluated: 2026-01-28. Review status: criteria provided, single submitter. Criteria: Invitae Variant Classification Sherloc (09022015). Collection method: clinical testing. Allele origin: germline.
Comment: This sequence change replaces arginine, which is basic and polar, with cysteine, which is neutral and slightly polar, at codon 541 of the ALPK3 protein (p.Arg541Cys). This variant is present in population databases (rs141449225, gnomAD 0.08%). This variant has not been reported in the literature in individuals affected with ALPK3-related conditions. ClinVar contains an entry for this variant (Variation ID: 389626). An algorithm developed to predict the effect of missense changes on protein structure and function (PolyPhen-2) suggests that this variant is likely to be disruptive. In summary, the available evidence is currently insufficient to determine the role of this variant in disease. Therefore, it has been classified as a Variant of Uncertain Significance.

Ambry Genetics
Classification: Likely benign for Cardiovascular phenotype. Last evaluated: 2024-12-04. Review status: criteria provided, single submitter. Criteria: Ambry Variant Classification Scheme 2023. Collection method: clinical testing. Allele origin: germline.

Blueprint Genetics
Classification: Likely benign. Last evaluated: 2024-11-18. Review status: criteria provided, single submitter. Criteria: ACMG Guidelines, 2015. Collection method: clinical testing. Allele origin: germline.

Fulgent Genetics
Classification: Uncertain significance for Cardiomyopathy, familial hypertrophic 27. Last evaluated: 2024-04-29. Review status: criteria provided, single submitter. Criteria: ACMG Guidelines, 2015. Collection method: clinical testing. Allele origin: germline.

Victorian Clinical Genetics Services, Murdoch Childrens Research Institute
Classification: Uncertain significance for Cardiomyopathy, familial hypertrophic 27. Last evaluated: 2021-05-06. Review status: criteria provided, single submitter. Criteria: ACMG Guidelines, 2015. Collection method: clinical testing. Allele origin: germline. Inheritance: Autosomal recessive inheritance. Affected: yes.
Comment: Based on the classification scheme VCGS_Germline_v1.3.4, this variant is classified as VUS-3C. Following criteria are met: 0102 - Loss of function is a known mechanism of disease in this gene and is associated with familial hypertrophic cardiomyopathy 27 (MIM#618052). (I) 0106 - This gene is associated with autosomal recessive disease. (I) 0200 - Variant is predicted to result in a missense amino acid change from arginine to cysteine. (I) 0251 - This variant is heterozygous. (I) 0304 - Variant is present in gnomAD (v2) <0.01 for a recessive condition (115 heterozygotes, 0 homozygotes). (SP) 0309 - An alternative amino acid change at the same position has been observed in gnomAD (v2) (3 heterozygotes, 0 homozygotes). (I) 0503 - Missense variant consistently predicted to be tolerated by multiple in silico tools or not conserved in placental mammals with a minor amino acid change. (SB) 0604 - Variant is not located in an established domain, motif, hotspot or informative constraint region. (I) 0705 - No comparable missense variants have previous evidence for pathogenicity. (I) 0809 - Previous evidence of pathogenicity for this variant is inconclusive. This variant has been previously reported as a VUS (ClinVar, LOVD). (I) 0905 - No published segregation evidence has been identified for this variant. (I) 1007 - No published functional evidence has been identified for this variant. (I) 1208 - Inheritance information for this variant is not currently available in this individual. (I) Legend: (SP) - Supporting pathogenic, (I) - Information, (SB) - Supporting benign

PreventionGenetics, part of Exact Sciences
Classification: Uncertain significance for ALPK3-related condition. Last evaluated: 2024-02-18. Review status: no assertion criteria provided. Collection method: clinical testing. Allele origin: germline. Not counted in ClinVar's aggregate classification.
Comment: The ALPK3 c.1621C>T variant is predicted to result in the amino acid substitution p.Arg541Cys. To our knowledge, this variant has not been reported in the literature. This variant is reported in 0.075% of alleles in individuals of European (Non-Finnish) descent in gnomAD, which is more common that expected for a primary cause of disease. Although we suspect this variant may be benign, at this time, the clinical significance is uncertain due to the absence of conclusive functional and genetic evidence.

NM_020778.5(ALPK3):c.1015C>T (p.Arg339Cys)

Gene: ALPK3 (alpha kinase 3; plus strand). Cytogenetic location: 15q25.3.
Variant type: single nucleotide variant.
Coding change: c.1015C>T on transcript NM_020778.5 (MANE Select); coding-DNA position 1015, C replaced by T.
Protein change: p.Arg339Cys; replaces arginine 339 with cysteine.
Molecular consequence: missense variant.
Genome position (GRCh38, 1-based): chr15:84,840,294, C>T. VCF-style: chr15-84840294-C-T. GRCh37 (hg19) VCF-style: chr15-85383525-C-T.
Other names: short protein forms R541C, R339C.
Identifiers: ClinVar variation 389626 (VCV000389626.25), dbSNP rs141449225, ClinGen allele CA7709105.